The following is an entry in ClinVar:

ClinVar aggregate classification (germline): Pathogenic (1 of 4 stars; one submission).

Conditions:
Hereditary cancer-predisposing syndrome. Also called: Hereditary Cancer Syndrome; Hereditary neoplastic syndrome; Tumor predisposition; Neoplastic Syndromes, Hereditary. Identifiers: Orphanet 140162, MedGen C0027672, MeSH D009386, MONDO:0015356.

Submission:

Ambry Genetics
Classification: Pathogenic for Hereditary cancer-predisposing syndrome. Last evaluated: 2021-02-25. Review status: criteria provided, single submitter. Criteria: Ambry Variant Classification Scheme 2023. Collection method: clinical testing. Allele origin: germline.
Comment: The c.2342_2343insCT pathogenic mutation, located in coding exon 9 of the BRCA1 gene, results from an insertion of two nucleotides at position 2342, causing a translational frameshift with a predicted alternate stop codon (p.E781Dfs*2). This alteration is expected to result in loss of function by premature protein truncation or nonsense-mediated mRNA decay. As such, this alteration is interpreted as a disease-causing mutation.

NM_007294.4(BRCA1):c.2342_2343insCT (p.Glu781fs)

Gene: BRCA1 (BRCA1 DNA repair associated; minus strand). Cytogenetic location: 17q21.31.
Variant type: Insertion.
Coding change: c.2342_2343insCT on transcript NM_007294.4 (MANE Select); coding-DNA positions 2342 to 2343, CT inserted.
Protein change: p.Glu781fs; shifts the reading frame from glutamic acid 781.
Molecular consequence: frameshift variant. On other transcripts: intron variant (137).
Genome position: GRCh38 VCF-style: chr17-43093188-T-TAG. GRCh37 (hg19) VCF-style: chr17-41245205-T-TAG.
Other names: c.2216_2217insCT, p.Glu739fs (NM_001407690.1, NM_001407691.1, NM_001407649.1 and 11 more transcripts); c.2201_2202insCT, p.Glu734fs (NM_001407692.1, NM_001407694.1, NM_001407724.1 and 29 more transcripts); c.2129_2130insCT, p.Glu710fs (NM_001407571.1, NM_001407853.1, NM_001407894.1 and 9 more transcripts); c.2342_2343insCT, p.Glu781fs (NM_001407581.1, NM_001407582.1, NM_001407583.1 and 30 more transcripts); c.2339_2340insCT, p.Glu780fs (NM_001407587.1, NM_001407590.1, NM_001407591.1 and 22 more transcripts); c.2333_2334insCT, p.Glu778fs (NM_001407646.1, NM_001407647.1); c.2219_2220insCT, p.Glu740fs (NM_001407648.1, NM_001407664.1, NM_001407665.1 and 19 more transcripts); c.2264_2265insCT, p.Glu755fs (NM_001407653.1, NM_001407654.1, NM_001407655.1 and 4 more transcripts); and 41 more; short protein forms E734fs, E781fs, E669fs, E692fs, E713fs, E739fs, E780fs, E485fs.
Identifiers: ClinVar variation 1789880 (VCV001789880.2), dbSNP rs2552189867, ClinGen allele CA2580094052.